The following is an entry in ClinVar:

NM_001005361.3(DNM2):c.2523G>T (p.Gly841=)

Gene: DNM2 (dynamin 2; plus strand). Cytogenetic location: 19p13.2.
Variant type: single nucleotide variant.
Coding change: c.2523G>T on transcript NM_001005361.3 (MANE Select); coding-DNA position 2523, G replaced by T.
Protein change: p.Gly841=; no amino-acid change (glycine 841 retained).
Molecular consequence: synonymous variant.
Genome position (GRCh38, 1-based): chr19:10,830,358, G>T. VCF-style: chr19-10830358-G-T. GRCh37 (hg19) VCF-style: chr19-10941034-G-T.
Other names: c.2523G>T, p.Gly841= (NM_001005360.3, NM_001190716.2); c.2511G>T, p.Gly837= (NM_001005362.3, NM_004945.4).
Identifiers: ClinVar variation 1040563 (VCV001040563.11), dbSNP rs1028907663, ClinGen allele CA305272246.
Genomic context (GRCh38, chr19:10,830,358, plus strand): 5'-CAGTGACCTCTTCCCAGCCCCGCCTCAGATCCCATCTCGGCCAGTTCGGATCCCCCCAGG[G>T]ATTCCCCCAGGAGTGCCCAGGTAAGGCCAACCCCCTGCCCTCCACCCCAACTGCCTGCAC-3'
Protein context (NP_001005361.1, residues 831-851): IPSRPVRIPP[Gly841=]IPPGVPSRRP

ClinVar aggregate classification (germline): Conflicting classifications of pathogenicity. Review status: criteria provided, conflicting classifications (1 of 4 stars). 3 submissions from 3 submitters: Uncertain significance (2); Likely benign (1). Last evaluated 2026-09-03.

Conditions:
Charcot-Marie-Tooth disease dominant intermediate B (CMTDIB). Also called: CHARCOT-MARIE-TOOTH NEUROPATHY, DOMINANT INTERMEDIATE B; Charcot-Marie-Tooth disease dominant intermediate 1; CMT DI1; Charcot-Marie-Tooth disease dominant intermediate I. Identifiers: Orphanet 100044, Orphanet 228179, MedGen C1847902, MONDO:0011674, OMIM 606482.
DNM2-related disorder. Also called: DNM2-related condition.

Allele frequency attached by ClinVar (database versions not stated): gnomAD exomes below 0.00001; gnomAD 0.00003; TOPMed 0.00006.
gnomAD v4.1: 5 of 1,611,590 alleles (0.00031%); highest among the groups gnomAD compares: Admixed American, 0.0067%; no homozygotes.

Submissions (3):

PreventionGenetics, part of Exact Sciences
Classification: Uncertain significance for DNM2-related condition. Last evaluated: 2026-09-03. Review status: criteria provided, single submitter. Criteria: ACMG Guidelines, 2015. Collection method: clinical testing. Allele origin: germline.
Comment: The DNM2 c.2523G>T variant is not predicted to result in an amino acid change (p.=). This variant is predicted to alter splicing based on available splicing prediction programs (SpliceAI, Jaganathan et al. 2019. PubMed ID: 30661751). However, the use of computer prediction programs is not equivalent to functional evidence. To our knowledge, this variant has not been reported in the literature. This variant has been reported in 1 heterozygous individuals within the ‘other’ subpopulation in gnomAD. At this time, the clinical significance of this variant is uncertain due to the absence of conclusive functional and genetic evidence.

Labcorp Genetics (formerly Invitae), Labcorp
Classification: Likely benign for Charcot-Marie-Tooth disease dominant intermediate B. Last evaluated: 2025-11-05. Review status: criteria provided, single submitter. Criteria: Invitae Variant Classification Sherloc (09022015). Collection method: clinical testing. Allele origin: germline.

GeneDx
Classification: Uncertain significance. Last evaluated: 2022-01-21. Review status: criteria provided, single submitter. Criteria: GeneDx Variant Classification Process June 2021. Collection method: clinical testing. Allele origin: germline. Affected: yes.
Comment: Not observed at significant frequency in large population cohorts (gnomAD); Has not been previously published as pathogenic or benign to our knowledge; In silico analysis, which includes splice predictors and evolutionary conservation, suggests this variant may impact gene splicing. In the absence of RNA/functional studies, the actual effect of this sequence change is unknown.